The following is an entry in ClinVar:

ClinVar aggregate classification (germline): Uncertain significance (1 of 4 stars; one submission).

Submission:

CeGaT Center for Human Genetics Tuebingen
Classification: Uncertain significance. Last evaluated: 2024-09-01. Review status: criteria provided, single submitter. Criteria: CeGaT Center For Human Genetics Tuebingen Variant Classification Criteria Version 2. Collection method: clinical testing. Allele origin: germline. Affected: yes. Observed: 1 variant allele.
Comment: G6PD: PM5

NM_001360016.2(G6PD):c.370C>T (p.His124Tyr)

Gene: G6PD (glucose-6-phosphate dehydrogenase; minus strand). Cytogenetic location: Xq28.
Variant type: single nucleotide variant.
Coding change: c.370C>T on transcript NM_001360016.2 (MANE Select); coding-DNA position 370, C replaced by T.
Protein change: p.His124Tyr; replaces histidine 124 with tyrosine.
Molecular consequence: missense variant.
Genome position (GRCh38, 1-based): chrX:154,535,283, G>A on the plus strand (C>T on the coding strand, the complement: G6PD is on the minus strand). VCF-style: chrX-154535283-G-A. GRCh37 (hg19) VCF-style: chrX-153763498-G-A.
Other names: c.460C>T, p.His154Tyr (NM_000402.4); c.370C>T, p.His124Tyr (NM_001042351.3); short protein forms H124Y, H154Y.
Identifiers: ClinVar variation 3388915 (VCV003388915.14).